The following is an entry in ClinVar:

ClinVar aggregate classification (germline): Uncertain significance (1 of 4 stars; one submission).

Conditions:
Hajdu-Cheney syndrome (HJCYS). Also called: ACROOSTEOLYSIS WITH OSTEOPOROSIS AND CHANGES IN SKULL AND MANDIBLE; SERPENTINE FIBULA-POLYCYSTIC KIDNEY SYNDROME; Acroosteolysis dominant type. Identifiers: Orphanet 955, MedGen C0917715, MONDO:0007057, OMIM 102500.

Allele frequency attached by ClinVar (database versions not stated): gnomAD exomes 0.00001; gnomAD 0.00001; ExAC 0.00002; TOPMed 0.00001.
gnomAD v4.1: 14 of 1,613,866 alleles (0.00087%); highest among the groups gnomAD compares: Admixed American, 0.0083%; no homozygotes.

Submission:

Labcorp Genetics (formerly Invitae), Labcorp
Classification: Uncertain significance for Hajdu-Cheney syndrome. Last evaluated: 2024-01-06. Review status: criteria provided, single submitter. Criteria: Invitae Variant Classification Sherloc (09022015). Collection method: clinical testing. Allele origin: germline.
Comment: This sequence change replaces alanine, which is neutral and non-polar, with threonine, which is neutral and polar, at codon 2372 of the NOTCH2 protein (p.Ala2372Thr). This variant is present in population databases (rs765404709, gnomAD 0.01%). This variant has not been reported in the literature in individuals affected with NOTCH2-related conditions. ClinVar contains an entry for this variant (Variation ID: 2185132). Advanced modeling of protein sequence and biophysical properties (such as structural, functional, and spatial information, amino acid conservation, physicochemical variation, residue mobility, and thermodynamic stability) performed at Invitae indicates that this missense variant is not expected to disrupt NOTCH2 protein function with a negative predictive value of 80%. In summary, the available evidence is currently insufficient to determine the role of this variant in disease. Therefore, it has been classified as a Variant of Uncertain Significance.

NM_024408.4(NOTCH2):c.7114G>A (p.Ala2372Thr)

Gene: NOTCH2 (notch receptor 2; minus strand). Cytogenetic location: 1p12.
Variant type: single nucleotide variant.
Coding change: c.7114G>A on transcript NM_024408.4 (MANE Select); coding-DNA position 7114, G replaced by A.
Protein change: p.Ala2372Thr; replaces alanine 2372 with threonine.
Molecular consequence: missense variant.
Genome position (GRCh38, 1-based): chr1:119,915,608, C>T on the plus strand (G>A on the coding strand, the complement: NOTCH2 is on the minus strand). VCF-style: chr1-119915608-C-T. GRCh37 (hg19) VCF-style: chr1-120458231-C-T.
Other names: short protein forms A2372T.
Identifiers: ClinVar variation 2185132 (VCV002185132.2), dbSNP rs765404709, ClinGen allele CA1039317.